The following is an entry in ClinVar:

NM_078470.6(COX15):c.833-11T>G

Gene: COX15 (cytochrome c oxidase assembly factor COX15; minus strand). Cytogenetic location: 10q24.2.
Variant type: single nucleotide variant.
Coding change: c.833-11T>G on transcript NM_078470.6 (MANE Select); 11 bases into the intron before coding-DNA position 833, T replaced by G.
Molecular consequence: intron variant.
Genome position (GRCh38, 1-based): chr10:99,718,511, A>C on the plus strand (T>G on the coding strand, the complement: COX15 is on the minus strand). VCF-style: chr10-99718511-A-C. GRCh37 (hg19) VCF-style: chr10-101478268-A-C.
Other names: c.833-11T>G (NM_001320974.2, NM_001372027.1, NM_004376.7 and 2 more transcripts); c.296-11T>G (NM_001320976.2); c.806-11T>G (NM_001372026.1); c.833-2050T>G (NM_001372028.1, NM_001320975.2).
Identifiers: ClinVar variation 1569340 (VCV001569340.9), dbSNP rs746654907, ClinGen allele CA2573145931.

ClinVar aggregate classification (germline): Conflicting classifications of pathogenicity. Review status: criteria provided, conflicting classifications (1 of 4 stars). 2 submissions from 2 submitters: Uncertain significance (1); Likely benign (1). Last evaluated 2025-06-15.

gnomAD v4.1: 1 of 1,614,100 alleles (0.000062%); highest among the groups gnomAD compares: Non-Finnish European, 0.000085%; no homozygotes.

Submissions (2):

GeneDx
Classification: Uncertain significance. Last evaluated: 2025-06-15. Review status: criteria provided, single submitter. Criteria: GeneDx Variant Classification Process June 2021. Collection method: clinical testing. Allele origin: germline. Affected: yes.
Comment: Not observed at significant frequency in large population cohorts (gnomAD); Has not been previously published as pathogenic or benign to our knowledge; In silico analysis is inconclusive as to whether the variant alters gene splicing. In the absence of RNA/functional studies, the actual effect of this sequence change is unknown

Labcorp Genetics (formerly Invitae), Labcorp
Classification: Likely benign. Last evaluated: 2024-07-02. Review status: criteria provided, single submitter. Criteria: Invitae Variant Classification Sherloc (09022015). Collection method: clinical testing. Allele origin: germline.